The following is an entry in ClinVar:

ClinVar aggregate classification (germline): Uncertain significance (1 of 4 stars; one submission).

Submission:

Labcorp Genetics (formerly Invitae), Labcorp
Classification: Uncertain significance. Last evaluated: 2023-07-12. Review status: criteria provided, single submitter. Criteria: Invitae Variant Classification Sherloc (09022015). Collection method: clinical testing. Allele origin: germline.
Comment: In summary, the available evidence is currently insufficient to determine the role of this variant in disease. Therefore, it has been classified as a Variant of Uncertain Significance. Advanced modeling of protein sequence and biophysical properties (such as structural, functional, and spatial information, amino acid conservation, physicochemical variation, residue mobility, and thermodynamic stability) performed at Invitae indicates that this missense variant is expected to disrupt BRWD3 protein function. This variant has not been reported in the literature in individuals affected with BRWD3-related conditions. This variant is not present in population databases (gnomAD no frequency). This sequence change replaces tryptophan, which is neutral and slightly polar, with arginine, which is basic and polar, at codon 927 of the BRWD3 protein (p.Trp927Arg).

NM_153252.5(BRWD3):c.2779T>A (p.Trp927Arg)

Gene: BRWD3 (bromodomain and WD repeat domain containing 3; minus strand). Cytogenetic location: Xq21.1.
Variant type: single nucleotide variant.
Coding change: c.2779T>A on transcript NM_153252.5 (MANE Select); coding-DNA position 2779, T replaced by A.
Protein change: p.Trp927Arg; replaces tryptophan 927 with arginine.
Molecular consequence: missense variant.
Genome position (GRCh38, 1-based): chrX:80,703,536, A>T on the plus strand (T>A on the coding strand, the complement: BRWD3 is on the minus strand). VCF-style: chrX-80703536-A-T. GRCh37 (hg19) VCF-style: chrX-79959035-A-T.
Other names: short protein forms W927R.
Identifiers: ClinVar variation 2731347 (VCV002731347.3), dbSNP rs2520267637, ClinGen allele CA413625677.
Genomic context (GRCh38, chrX:80,703,536, plus strand): 5'-TTACCTCATCTCCCATTTGTGGGACAAATGGGGAACGTCGGGGTATAGTATCCAAGATCC[A>T]CTGAGGGGCAAACCATTCTTCATTAGGCTCACCTGCTATAGAAACCAGTCCTCCTTTCTA-3'
Protein context (NP_694984.5, residues 917-937): EPNEEWFAPQ[Trp927Arg]ILDTIPRRSP